The following is an entry in ClinVar:

ClinVar aggregate classification (germline): Uncertain significance (1 of 4 stars; one submission).

Submission:

GeneDx
Classification: Uncertain significance. Last evaluated: 2024-02-08. Review status: criteria provided, single submitter. Criteria: GeneDx Variant Classification Process June 2021. Collection method: clinical testing. Allele origin: germline. Affected: yes.
Comment: Not observed at significant frequency in large population cohorts (gnomAD); In silico analysis supports that this missense variant has a deleterious effect on protein structure/function; Has not been previously published as pathogenic or benign to our knowledge

NM_001385012.1(NBEA):c.8270A>G (p.Asp2757Gly)

Gene: NBEA (neurobeachin; plus strand). Cytogenetic location: 13q13.3.
Variant type: single nucleotide variant.
Coding change: c.8270A>G on transcript NM_001385012.1 (MANE Select); coding-DNA position 8270, A replaced by G.
Protein change: p.Asp2757Gly; replaces aspartic acid 2757 with glycine.
Molecular consequence: missense variant.
Genome position (GRCh38, 1-based): chr13:35,655,657, A>G. VCF-style: chr13-35655657-A-G. GRCh37 (hg19) VCF-style: chr13-36229794-A-G.
Other names: c.1586A>G, p.Asp529Gly (NM_001204197.3); c.8261A>G, p.Asp2754Gly (NM_001379245.1); c.8207A>G, p.Asp2736Gly (NM_015678.5); short protein forms D2736G, D2754G, D2757G, D529G.
Identifiers: ClinVar variation 3368906 (VCV003368906.1).
Genomic context (GRCh38, chr13:35,655,657, plus strand): 5'-TATTTGGCCATTGGGATGTGGTCACTTGCTTGGCCAGGTCCGAGTCATACATTGGTGGGG[A>G]CTGCTACATCGTGTCCGGATCTCGAGATGCCACCCTGCTGCTCTGGTACTGGAGTGGGCG-3'
Protein context (NP_001371941.1, residues 2747-2767): LARSESYIGG[Asp2757Gly]CYIVSGSRDA